The following is an entry in ClinVar:

NM_022772.4(EPS8L2):c.1850G>C (p.Ser617Thr)

Gene: EPS8L2 (EPS8 signaling adaptor L2; plus strand). Cytogenetic location: 11p15.5.
Variant type: single nucleotide variant.
Coding change: c.1850G>C on transcript NM_022772.4 (MANE Select); coding-DNA position 1850, G replaced by C.
Protein change: p.Ser617Thr; replaces serine 617 with threonine.
Molecular consequence: missense variant.
Genome position (GRCh38, 1-based): chr11:726,400, G>C. VCF-style: chr11-726400-G-C. GRCh37 (hg19) VCF-style: chr11-726400-G-C.
Other names: c.1850G>C (NM_022772.3); short protein forms S617T.
Identifiers: ClinVar variation 2807991 (VCV002807991.4), dbSNP rs1590058185, ClinGen allele CA378976136.
Genomic context (GRCh38, chr11:726,400, plus strand): 5'-TCATCCGGAAAATCAGCAACATCAGGGCGCAGCCACAGAGGCACTTCCGCGTGGAGCGCA[G>C]CCAGCCCGTGAGCCAGCCGCTCACCTACGAGTCGGGTCCGGACGAGGTCCGCGCCTGGCT-3'
Protein context (NP_073609.2, residues 607-627): QPQRHFRVER[Ser617Thr]QPVSQPLTYE

ClinVar aggregate classification (germline): Uncertain significance. Review status: criteria provided, multiple submitters, no conflicts (2 of 4 stars). 2 submissions from 2 submitters: Uncertain significance (2). Last evaluated 2023-12-22.

gnomAD v4.1: 1 of 1,607,528 alleles (0.000062%); highest among the groups gnomAD compares: Non-Finnish European, 0.000085%; no homozygotes.

Submissions (2):

Ambry Genetics
Classification: Uncertain significance. Last evaluated: 2023-12-22. Review status: criteria provided, single submitter. Criteria: Ambry Variant Classification Scheme 2023. Collection method: clinical testing. Allele origin: germline.

Labcorp Genetics (formerly Invitae), Labcorp
Classification: Uncertain significance. Last evaluated: 2023-02-09. Review status: criteria provided, single submitter. Criteria: Invitae Variant Classification Sherloc (09022015). Collection method: clinical testing. Allele origin: germline.
Comment: This sequence change replaces serine, which is neutral and polar, with threonine, which is neutral and polar, at codon 617 of the EPS8L2 protein (p.Ser617Thr). This variant is not present in population databases (gnomAD no frequency). This variant has not been reported in the literature in individuals affected with EPS8L2-related conditions. Algorithms developed to predict the effect of missense changes on protein structure and function output the following: SIFT: "Tolerated"; PolyPhen-2: "Benign"; Align-GVGD: "Class C0". The threonine amino acid residue is found in multiple mammalian species, which suggests that this missense change does not adversely affect protein function. In summary, the available evidence is currently insufficient to determine the role of this variant in disease. Therefore, it has been classified as a Variant of Uncertain Significance.